The following is an entry in ClinVar:

ClinVar aggregate classification (germline): Uncertain significance (1 of 4 stars; one submission).

Conditions:
Tuberous sclerosis 2 (TSC2). Identifiers: Orphanet 805, MedGen C1860707, MONDO:0013199, OMIM 613254.

Submission:

Labcorp Genetics (formerly Invitae), Labcorp
Classification: Uncertain significance for Tuberous sclerosis 2. Last evaluated: 2023-09-10. Review status: criteria provided, single submitter. Criteria: Invitae Variant Classification Sherloc (09022015). Collection method: clinical testing. Allele origin: germline.
Comment: In summary, the available evidence is currently insufficient to determine the role of this variant in disease. Therefore, it has been classified as a Variant of Uncertain Significance. Algorithms developed to predict the effect of sequence changes on RNA splicing suggest that this variant may disrupt the consensus splice site. This variant has not been reported in the literature in individuals affected with TSC2-related conditions. This variant is not present in population databases (gnomAD no frequency). This sequence change creates a premature translational stop signal (p.Glu968*) in the TSC2 gene. Loss-of-function variants in TSC2 are known to be pathogenic (PMID: 10205261, 17304050). However, tissue-specific alternative splicing of TSC2 gene results in a functional isoform lacking in-frame exon 26 (also known as exon 25, PMID: 26703369). For this reason the clinical significance of loss of function variants in exon 26 is currently uncertain.

Literature cited by the submitters: PubMed 10205261; PubMed 17304050.

NM_000548.5(TSC2):c.2902G>T (p.Glu968Ter)

Gene: TSC2 (TSC complex subunit 2; plus strand). Cytogenetic location: 16p13.3.
Variant type: single nucleotide variant.
Coding change: c.2902G>T on transcript NM_000548.5 (MANE Select); coding-DNA position 2902, G replaced by T.
Protein change: p.Glu968Ter; replaces glutamic acid 968 with a stop codon.
Molecular consequence: nonsense. On other transcripts: intron variant (31).
Genome position (GRCh38, 1-based): chr16:2,077,662, G>T. VCF-style: chr16-2077662-G-T. GRCh37 (hg19) VCF-style: chr16-2127663-G-T.
Other names: c.2902G>T, p.Glu968Ter (NM_001114382.3, NM_001406663.1, NM_001406664.1); c.2791G>T, p.Glu931Ter (NM_001406670.1); c.2755G>T, p.Glu919Ter (NM_001406675.1, NM_001406676.1); c.2302G>T, p.Glu768Ter (NM_001406680.1, NM_001406682.1, NM_001406683.1 and 1 more transcripts); c.1558G>T, p.Glu520Ter (NM_001406689.1); c.1493+1077G>T (NM_001406693.1, NM_001406690.1, NM_001406692.1 and 5 more transcripts); c.2927+1077G>T (NM_001406667.1, NM_001406668.1); c.2237+1077G>T (NM_001406687.1, NM_001406685.1, NM_001318831.2 and 2 more transcripts); and 8 more; short protein forms E919*, E520*, E931*, E768*, E968*.
Identifiers: ClinVar variation 2759564 (VCV002759564.3), dbSNP rs2543975960, ClinGen allele CA394281180.